The following is an entry in ClinVar:

ClinVar aggregate classification (germline): Uncertain significance (1 of 4 stars; one submission).

Conditions:
Hereditary breast ovarian cancer syndrome. Also called: Hereditary breast and ovarian cancer; BRCA1- and BRCA2-Associated Hereditary Breast and Ovarian Cancer; Hereditary breast and ovarian cancer syndrome; Breast and ovarian cancer; Hereditary breast and ovarian cancer syndrome (HBOC); Hereditary breast and/or ovarian cancer syndrome. Identifiers: Orphanet 145, MedGen C0677776, MeSH D061325, MONDO:0003582. Disease mechanism: loss of function.

Submission:

Labcorp Genetics (formerly Invitae), Labcorp
Classification: Uncertain significance for Hereditary breast ovarian cancer syndrome. Last evaluated: 2022-12-07. Review status: criteria provided, single submitter. Criteria: Invitae Variant Classification Sherloc (09022015). Collection method: clinical testing. Allele origin: germline.
Comment: In summary, the available evidence is currently insufficient to determine the role of this variant in disease. Therefore, it has been classified as a Variant of Uncertain Significance. Advanced modeling of protein sequence and biophysical properties (such as structural, functional, and spatial information, amino acid conservation, physicochemical variation, residue mobility, and thermodynamic stability) performed at Invitae indicates that this missense variant is not expected to disrupt BRCA1 protein function. This variant has not been reported in the literature in individuals affected with BRCA1-related conditions. This variant is not present in population databases (gnomAD no frequency). This sequence change replaces leucine, which is neutral and non-polar, with serine, which is neutral and polar, at codon 523 of the BRCA1 protein (p.Leu523Ser).

NM_007294.4(BRCA1):c.1568T>C (p.Leu523Ser)

Gene: BRCA1 (BRCA1 DNA repair associated; minus strand). Cytogenetic location: 17q21.31.
Variant type: single nucleotide variant.
Coding change: c.1568T>C on transcript NM_007294.4 (MANE Select); coding-DNA position 1568, T replaced by C.
Protein change: p.Leu523Ser; replaces leucine 523 with serine.
Molecular consequence: missense variant. On other transcripts: intron variant (137).
Genome position (GRCh38, 1-based): chr17:43,093,963, A>G on the plus strand (T>C on the coding strand, the complement: BRCA1 is on the minus strand). VCF-style: chr17-43093963-A-G. GRCh37 (hg19) VCF-style: chr17-41245980-A-G.
Other names: c.1565T>C, p.Leu522Ser (NM_001407590.1, NM_001407591.1, NM_001407610.1 and 22 more transcripts); c.1568T>C, p.Leu523Ser (NM_001407593.1, NM_001407594.1, NM_001407596.1 and 30 more transcripts); c.1424T>C, p.Leu475Ser (NM_001407964.1, NM_001407740.1, NM_001407741.1 and 20 more transcripts); c.1064T>C, p.Leu355Ser (NM_001407965.1); c.680T>C, p.Leu227Ser (NM_001407966.1, NM_001407967.1); c.1427T>C, p.Leu476Ser (NM_007297.4, NM_001407692.1, NM_001407694.1 and 29 more transcripts); c.646+781T>C (NM_001408458.1, NM_001408469.1, NM_001408453.1 and 11 more transcripts); c.283+781T>C (NM_001408512.1); and 40 more; short protein forms L496S, L497S, L520S, L395S, L396S, L411S, L523S, L355S.
Identifiers: ClinVar variation 2819093 (VCV002819093.3), dbSNP rs397508885, ClinGen allele CA10598908.
Genomic context (GRCh38, chr17:43,093,963, plus strand): 5'-CCATTCTGCTCCGTTTGGTTAGTTCCCTGATTTATCATTTCAGGAGTCTTTTGAACTGCC[A>G]AATCTGCTTTCTTGATAAAATCCTCAGGATGAAGGCCTGATGTAGGTCTCCTTTTACGCT-3'
Protein context (NP_009225.1, residues 513-533): HPEDFIKKAD[Leu523Ser]AVQKTPEMIN